The following is an entry in ClinVar:

ClinVar aggregate classification (germline): Pathogenic (1 of 4 stars; one submission).

Conditions:
Benign neonatal seizures. Also called: Benign familial neonatal seizures; Convulsions benign familial neonatal dominant form; Autosomal dominant form of benign neonatal seizures; Benign neonatal familial convulsions; Benign familial neonatal epilepsy. Identifiers: Orphanet 1949, MedGen C0220669, MONDO:0016027.

Submission:

Labcorp Genetics (formerly Invitae), Labcorp
Classification: Pathogenic for Benign neonatal seizures. Last evaluated: 2022-09-20. Review status: criteria provided, single submitter. Criteria: Invitae Variant Classification Sherloc (09022015). Collection method: clinical testing. Allele origin: germline.
Comment: For these reasons, this variant has been classified as Pathogenic. This variant has not been reported in the literature in individuals affected with KCNQ3-related conditions. A gross deletion of the genomic region encompassing the full coding sequence of the KCNQ3 gene has been identified. Loss-of-function variants in KCNQ3 are known to be pathogenic (PMID: 29383681, 29852413). The boundaries of this event are unknown as they extend beyond the assayed region for this gene and therefore may encompass additional genes.

Literature cited by the submitters: PubMed 29383681; PubMed 29852413.

NC_000008.10:g.(?_133141509)_(134296554_?)del

Genes: TG (thyroglobulin; plus strand), TMEM71 (transmembrane protein 71; minus strand), CCN4 (cellular communication network factor 4; plus strand), DNAAF11 (dynein axonemal assembly factor 11; minus strand), KCNQ3 (potassium voltage-gated channel subfamily Q member 3; minus strand) and 3 more. Cytogenetic location: 8q24.22.
Variant type: Deletion.
Identifiers: ClinVar variation 1071384 (VCV001071384.6).